The following is an entry in ClinVar:

NM_001171613.2(PREPL):c.1827G>T (p.Lys609Asn)

Genes: PREPL (prolyl endopeptidase like; minus strand), SLC3A1 (solute carrier family 3 member 1; plus strand). Cytogenetic location: 2p21.
Variant type: single nucleotide variant.
Coding change: c.1827G>T on transcript NM_001171613.2 (MANE Select); coding-DNA position 1827, G replaced by T.
Protein change: p.Lys609Asn; replaces lysine 609 with asparagine.
Molecular consequence: missense variant.
Genome position (GRCh38, 1-based): chr2:44,321,827, C>A on the plus strand (G>T on the coding strand, the complement: PREPL is on the minus strand). VCF-style: chr2-44321827-C-A. GRCh37 (hg19) VCF-style: chr2-44548966-C-A.
Other names: c.1908G>T, p.Lys636Asn (NM_001042385.2); c.1896G>T, p.Lys632Asn (NM_001042386.2); c.2094G>T, p.Lys698Asn (NM_001171603.1, NM_001171606.2, NM_001374275.1 and 2 more transcripts); c.1827G>T, p.Lys609Asn (NM_001171617.1, NM_001374277.1); short protein forms K609N, K632N, K636N, K698N.
Identifiers: ClinVar variation 2157423 (VCV002157423.5), dbSNP rs768538177, ClinGen allele CA1640939.

ClinVar aggregate classification (germline): Likely pathogenic (1 of 4 stars; one submission).

Conditions:
Myasthenic syndrome, congenital, 22 (CMS22). Also called: PREPL DEFICIENCY. Identifiers: MedGen C4479088, MONDO:0044299, OMIM 616224.

Allele frequency attached by ClinVar (database versions not stated): gnomAD 0.00001; ExAC 0.00002; gnomAD exomes 0.00002; TOPMed 0.00002.
gnomAD v4.1: 26 of 1,613,568 alleles (0.0016%); highest among the groups gnomAD compares: Non-Finnish European, 0.0022%; no homozygotes.

Submissions (2):

Labcorp Genetics (formerly Invitae), Labcorp
Classification: Likely pathogenic for Myasthenic syndrome, congenital, 22. Last evaluated: 2026-01-11. Review status: criteria provided, single submitter. Criteria: Invitae Variant Classification Sherloc (09022015). Collection method: clinical testing. Allele origin: germline.
Comment: This sequence change replaces lysine, which is basic and polar, with asparagine, which is neutral and polar, at codon 698 of the PREPL protein (p.Lys698Asn). RNA analysis indicates that this missense change induces altered splicing and likely disrupts the C-terminus of the protein. This variant is present in population databases (rs768538177, gnomAD 0.004%). This missense change has been observed in individual(s) with congenital myasthenic syndrome (PMID: 32707643). In at least one individual the data is consistent with being in trans (on the opposite chromosome) from a pathogenic variant. ClinVar contains an entry for this variant (Variation ID: 2157423). An algorithm developed to predict the effect of missense changes on protein structure and function (PolyPhen-2) suggests that this variant is likely to be disruptive. Variants that disrupt the consensus splice site are a relatively common cause of aberrant splicing (PMID: 17576681, 9536098). Studies have shown that this missense change results in skipping of exon 13 (also known as exon 14) and introduces a new termination codon (PMID: 32707643). However the mRNA is not expected to undergo nonsense-mediated decay. In summary, the currently available evidence indicates that the variant is pathogenic, but additional data are needed to prove that conclusively. Therefore, this variant has been classified as Likely Pathogenic.

Dr. Peter K. Rogan Lab, Western University
No classification provided (evidence only). Condition: Melanoma. Review status: no classification provided. Collection method: in vitro. Allele origin: not applicable. Functional consequence: skipped exon. Not counted in ClinVar's aggregate classification.

Literature cited by the submitters: PubMed 32707643 (cited by Labcorp Genetics (formerly Invitae), Labcorp); PubMed 17576681 (cited by Labcorp Genetics (formerly Invitae), Labcorp); PubMed 9536098 (cited by Labcorp Genetics (formerly Invitae), Labcorp).